The following is an entry in ClinVar:

ClinVar aggregate classification (germline): Uncertain significance (1 of 4 stars; one submission).

Conditions:
Brown-Vialetto-van Laere syndrome 1. Also called: BROWN-VIALETTO-VAN LAERE SYNDROME 1, MILD; BULBAR PALSY, PROGRESSIVE, WITH SENSORINEURAL DEAFNESS; PONTOBULBAR PALSY WITH DEAFNESS. Identifiers: Orphanet 572550, Orphanet 97229, MedGen C0796274, MONDO:0024537, OMIM 211530.

Allele frequency attached by ClinVar (database versions not stated): ExAC 0.00001; gnomAD exomes 0.00001.

Submission:

Labcorp Genetics (formerly Invitae), Labcorp
Classification: Uncertain significance for Brown-Vialetto-van Laere syndrome 1. Last evaluated: 2019-04-01. Review status: criteria provided, single submitter. Criteria: Invitae Variant Classification Sherloc (09022015). Collection method: clinical testing. Allele origin: germline.
Comment: This variant has not been reported in the literature in individuals with SLC52A3-related conditions. In summary, the available evidence is currently insufficient to determine the role of this variant in disease. Therefore, it has been classified as a Variant of Uncertain Significance. Algorithms developed to predict the effect of missense changes on protein structure and function output the following: SIFT: "Tolerated"; PolyPhen-2: "Benign"; Align-GVGD: "Class C0". The phenylalanine amino acid residue is found in multiple mammalian species, suggesting that this missense change does not adversely affect protein function. These predictions have not been confirmed by published functional studies and their clinical significance is uncertain. The frequency data for this variant in the population databases is considered unreliable, as metrics indicate poor data quality at this position in the ExAC database. This sequence change replaces leucine with phenylalanine at codon 369 of the SLC52A3 protein (p.Leu369Phe). The leucine residue is moderately conserved and there is a small physicochemical difference between leucine and phenylalanine.

NM_033409.4(SLC52A3):c.1105C>T (p.Leu369Phe)

Gene: SLC52A3 (solute carrier family 52 member 3; minus strand). Cytogenetic location: 20p13.
Variant type: single nucleotide variant.
Coding change: c.1105C>T on transcript NM_033409.4 (MANE Select); coding-DNA position 1105, C replaced by T.
Protein change: p.Leu369Phe; replaces leucine 369 with phenylalanine.
Molecular consequence: missense variant.
Genome position (GRCh38, 1-based): chr20:761,793, G>A on the plus strand (C>T on the coding strand, the complement: SLC52A3 is on the minus strand). VCF-style: chr20-761793-G-A. GRCh37 (hg19) VCF-style: chr20-742437-G-A.
Other names: c.1105C>T, p.Leu369Phe (NM_001370085.1, NM_001370086.1); short protein forms L369F.
Identifiers: ClinVar variation 950271 (VCV000950271.9), dbSNP rs748457215, ClinGen allele CA9724594.